The following is an entry in ClinVar:

ClinVar aggregate classification (germline): Pathogenic (1 of 4 stars; one submission).

Conditions:
Nephronophthisis 1 (NPHP1). Also called: Nephronophthisis familial juvenile. Identifiers: Orphanet 655, Orphanet 93592, MedGen C1855681, MONDO:0009728, OMIM 256100.

Submission:

MVZ Medizinische Genetik Mainz
Classification: Pathogenic for Nephronophthisis 1. Last evaluated: 2023-08-21. Review status: criteria provided, single submitter. Criteria: UK Practice Guidelines For Variant Classification V4 01 2020. Collection method: clinical testing. Allele origin: germline. Inheritance: Autosomal recessive inheritance. Affected: yes. Observed: 1 variant allele.
Comment: ACMG Criteria: PVS1,PM2_SUP,PM3_SUP

NM_001128178.3(NPHP1):c.1255_1258del (p.Ser419fs)

Gene: NPHP1 (nephrocystin 1; minus strand). Cytogenetic location: 2q13.
Variant type: Deletion.
Coding change: c.1255_1258del on transcript NM_001128178.3 (MANE Select); coding-DNA positions 1255 to 1258, 4 bases deleted (TCTT; older notation c.1255_1258delTCTT).
Protein change: p.Ser419fs; shifts the reading frame from serine 419.
Molecular consequence: frameshift variant.
Genome position (GRCh38, 1-based): chr2:110,147,927-110,147,930, AAGA deleted on the plus strand (TCTT on the coding strand, the reverse complement: NPHP1 is on the minus strand); deleting any 4 consecutive bases within chr2:110,147,927-110,147,932 gives the same sequence; the c. name uses the placement nearest the transcript's 3' end. VCF-style (leftmost placement, unchanged base first): chr2-110147926-TAAGA-T. GRCh37 (hg19) VCF-style: chr2-110905503-TAAGA-T.
Other names: c.1423_1426del, p.Ser475fs (NM_000272.5); c.1066_1069del, p.Ser356fs (NM_001128179.3); c.1252_1255del, p.Ser418fs (NM_001374256.1); c.1255_1258del, p.Ser419fs (NM_001374257.1); c.1420_1423del, p.Ser474fs (NM_207181.4); short protein forms S356fs, S418fs, S419fs, S474fs, S475fs.
Identifiers: ClinVar variation 3234097 (VCV003234097.1), dbSNP rs2467259314, ClinGen allele CA2825000991.